The following is an entry in ClinVar:

NM_024334.3(TMEM43):c.449A>G (p.Glu150Gly)

Gene: TMEM43 (transmembrane protein 43; plus strand). Cytogenetic location: 3p25.1.
Variant type: single nucleotide variant.
Coding change: c.449A>G on transcript NM_024334.3 (MANE Select); coding-DNA position 449, A replaced by G.
Protein change: p.Glu150Gly; replaces glutamic acid 150 with glycine.
Molecular consequence: missense variant.
Genome position (GRCh38, 1-based): chr3:14,132,872, A>G. VCF-style: chr3-14132872-A-G. GRCh37 (hg19) VCF-style: chr3-14174372-A-G.
Other names: c.452A>G, p.Glu151Gly (NM_001407274.1); c.449A>G, p.Glu150Gly (NM_001407275.1, NM_001407276.1, NM_001407277.1 and 1 more transcripts); c.434A>G, p.Glu145Gly (NM_001407278.1); c.299A>G, p.Glu100Gly (NM_001407280.1); short protein forms E100G, E145G, E150G, E151G.
Identifiers: ClinVar variation 4615105 (VCV004615105.1).

ClinVar aggregate classification (germline): Uncertain significance (1 of 4 stars; one submission).

Conditions:
Cardiovascular phenotype. Identifiers: MedGen CN230736.

Submission:

Ambry Genetics
Classification: Uncertain significance for Cardiovascular phenotype. Last evaluated: 2025-10-14. Review status: criteria provided, single submitter. Criteria: Ambry Variant Classification Scheme 2023. Collection method: clinical testing. Allele origin: germline.
Comment: The p.E150G variant (also known as c.449A>G), located in coding exon 6 of the TMEM43 gene, results from an A to G substitution at nucleotide position 449. The glutamic acid at codon 150 is replaced by glycine, an amino acid with similar properties. This amino acid position is conserved. In addition, this alteration is predicted to be deleterious by in silico analysis. Based on the available evidence, the clinical significance of this variant remains unclear.